The following is an entry in ClinVar:

NM_004463.3(FGD1):c.1489G>T (p.Glu497Ter)

Gene: FGD1 (FYVE, RhoGEF and PH domain containing 1; minus strand). Cytogenetic location: Xp11.22.
Variant type: single nucleotide variant.
Coding change: c.1489G>T on transcript NM_004463.3 (MANE Select); coding-DNA position 1489, G replaced by T.
Protein change: p.Glu497Ter; replaces glutamic acid 497 with a stop codon.
Molecular consequence: nonsense.
Genome position (GRCh38, 1-based): chrX:54,465,704, C>A on the plus strand (G>T on the coding strand, the complement: FGD1 is on the minus strand). VCF-style: chrX-54465704-C-A. GRCh37 (hg19) VCF-style: chrX-54492137-C-A.
Other names: NC_000023.10:g.54492137C>A; short protein forms E497*.
Identifiers: ClinVar variation 4494033 (VCV004494033.2).

ClinVar aggregate classification (germline): Pathogenic (1 of 4 stars; one submission).

Submissions (2):

Labcorp Genetics (formerly Invitae), Labcorp
Classification: Pathogenic. Last evaluated: 2025-12-16. Review status: criteria provided, single submitter. Criteria: Invitae Variant Classification Sherloc (09022015). Collection method: clinical testing. Allele origin: germline.
Comment: This sequence change creates a premature translational stop signal (p.Glu497*) in the FGD1 gene. It is expected to result in an absent or disrupted protein product. Loss-of-function variants in FGD1 are known to be pathogenic (PMID: 21739585, 23211637, 25046119, 26029706). This variant is not present in population databases (gnomAD no frequency). This variant has not been reported in the literature in individuals affected with FGD1-related conditions. For these reasons, this variant has been classified as Pathogenic.

Dr. Peter K. Rogan Lab, Western University
No classification provided (evidence only). Condition: Thyroid cancer, nonmedullary, 1. Review status: no classification provided. Collection method: in vitro. Allele origin: not applicable. Functional consequence: retained intron. Not counted in ClinVar's aggregate classification.

Literature cited by the submitters: PubMed 21739585 (cited by Labcorp Genetics (formerly Invitae), Labcorp); PubMed 23211637 (cited by Labcorp Genetics (formerly Invitae), Labcorp); PubMed 25046119 (cited by Labcorp Genetics (formerly Invitae), Labcorp); PubMed 26029706 (cited by Labcorp Genetics (formerly Invitae), Labcorp).